The following is an entry in ClinVar:

NM_001792.5(CDH2):c.1966C>T (p.Arg656Trp)

Gene: CDH2 (cadherin 2; minus strand). Cytogenetic location: 18q12.1.
Variant type: single nucleotide variant.
Coding change: c.1966C>T on transcript NM_001792.5 (MANE Select); coding-DNA position 1966, C replaced by T.
Protein change: p.Arg656Trp; replaces arginine 656 with tryptophan.
Molecular consequence: missense variant.
Genome position (GRCh38, 1-based): chr18:27,985,537, G>A on the plus strand (C>T on the coding strand, the complement: CDH2 is on the minus strand). VCF-style: chr18-27985537-G-A. GRCh37 (hg19) VCF-style: chr18-25565501-G-A.
Other names: c.1873C>T, p.Arg625Trp (NM_001308176.2); short protein forms R656W, R625W.
Identifiers: ClinVar variation 1497191 (VCV001497191.6), dbSNP rs200324494, ClinGen allele CA297680006.

ClinVar aggregate classification (germline): Uncertain significance (1 of 4 stars; one submission).

gnomAD v4.1: 2 of 1,603,770 alleles (0.00012%); highest among the groups gnomAD compares: African/African-American, 0.0013%; no homozygotes.

Submission:

Labcorp Genetics (formerly Invitae), Labcorp
Classification: Uncertain significance. Last evaluated: 2024-06-10. Review status: criteria provided, single submitter. Criteria: Invitae Variant Classification Sherloc (09022015). Collection method: clinical testing. Allele origin: germline.
Comment: This sequence change replaces arginine, which is basic and polar, with tryptophan, which is neutral and slightly polar, at codon 656 of the CDH2 protein (p.Arg656Trp). This variant is not present in population databases (gnomAD no frequency). This variant has not been reported in the literature in individuals affected with CDH2-related conditions. ClinVar contains an entry for this variant (Variation ID: 1497191). An algorithm developed to predict the effect of missense changes on protein structure and function (PolyPhen-2) suggests that this variant is likely to be disruptive. In summary, the available evidence is currently insufficient to determine the role of this variant in disease. Therefore, it has been classified as a Variant of Uncertain Significance.